The following is an entry in ClinVar:

NM_080473.5(GATA5):c.854A>G (p.Glu285Gly)

Gene: GATA5 (GATA binding protein 5; minus strand). Cytogenetic location: 20q13.33.
Variant type: single nucleotide variant.
Coding change: c.854A>G on transcript NM_080473.5 (MANE Select); coding-DNA position 854, A replaced by G.
Protein change: p.Glu285Gly; replaces glutamic acid 285 with glycine.
Molecular consequence: missense variant.
Genome position (GRCh38, 1-based): chr20:62,465,893, T>C on the plus strand (A>G on the coding strand, the complement: GATA5 is on the minus strand). VCF-style: chr20-62465893-T-C. GRCh37 (hg19) VCF-style: chr20-61040949-T-C.
Other names: short protein forms E285G.
Identifiers: ClinVar variation 1994263 (VCV001994263.4), dbSNP rs1555896036, ClinGen allele CA409553501.

ClinVar aggregate classification (germline): Uncertain significance (1 of 4 stars; one submission).

Allele frequency attached by ClinVar (database versions not stated): gnomAD exomes below 0.00001.
gnomAD v4.1: 1 of 1,598,750 alleles (0.000063%); no homozygotes.

Submission:

Labcorp Genetics (formerly Invitae), Labcorp
Classification: Uncertain significance. Last evaluated: 2022-05-14. Review status: criteria provided, single submitter. Criteria: Invitae Variant Classification Sherloc (09022015). Collection method: clinical testing. Allele origin: germline.
Comment: In summary, the available evidence is currently insufficient to determine the role of this variant in disease. Therefore, it has been classified as a Variant of Uncertain Significance. Algorithms developed to predict the effect of missense changes on protein structure and function are either unavailable or do not agree on the potential impact of this missense change (SIFT: "Deleterious"; PolyPhen-2: "Probably Damaging"; Align-GVGD: "Class C0"). This variant has not been reported in the literature in individuals affected with GATA5-related conditions. The frequency data for this variant in the population databases is considered unreliable, as metrics indicate poor data quality at this position in the gnomAD database. This sequence change replaces glutamic acid, which is acidic and polar, with glycine, which is neutral and non-polar, at codon 285 of the GATA5 protein (p.Glu285Gly).